The following is an entry in ClinVar:

NM_001184.4(ATR):c.6462T>A (p.Asp2154Glu)

Gene: ATR (ATR checkpoint kinase; minus strand). Cytogenetic location: 3q23.
Variant type: single nucleotide variant.
Coding change: c.6462T>A on transcript NM_001184.4 (MANE Select); coding-DNA position 6462, T replaced by A.
Protein change: p.Asp2154Glu; replaces aspartic acid 2154 with glutamic acid.
Molecular consequence: missense variant.
Genome position (GRCh38, 1-based): chr3:142,469,427, A>T on the plus strand (T>A on the coding strand, the complement: ATR is on the minus strand). VCF-style: chr3-142469427-A-T. GRCh37 (hg19) VCF-style: chr3-142188269-A-T.
Other names: c.6270T>A, p.Asp2090Glu (NM_001354579.2); short protein forms D2090E, D2154E.
Identifiers: ClinVar variation 1753668 (VCV001753668.2), dbSNP rs751507834, ClinGen allele CA354804650.
Genomic context (GRCh38, chr3:142,469,427, plus strand): 5'-TTGTTGAGGATAGGCTAGAAATACTTTGGCTATTATTTCCATCAAGACAACAAAAACTTC[A>T]TCGTGAGAATGACAAATTCGAGAGATCAATTGTGAAAAAGCAGTCAAAAATTGATATGGA-3'
Protein context (NP_001175.2, residues 2144-2164): QLISRICHSH[Asp2154Glu]EVFVVLMEII

ClinVar aggregate classification (germline): Uncertain significance (1 of 4 stars; one submission).

Conditions:
Inborn genetic diseases. Identifiers: MedGen C0950123, MeSH D030342.

Submission:

Ambry Genetics
Classification: Uncertain significance for Inborn genetic diseases. Last evaluated: 2022-02-01. Review status: criteria provided, single submitter. Criteria: Ambry Variant Classification Scheme 2023. Collection method: clinical testing. Allele origin: germline.
Comment: The p.D2154E variant (also known as c.6462T>A), located in coding exon 38 of the ATR gene, results from a T to A substitution at nucleotide position 6462. The aspartic acid at codon 2154 is replaced by glutamic acid, an amino acid with highly similar properties. This amino acid position is conserved. In addition, this alteration is predicted to be tolerated by in silico analysis. Since supporting evidence is limited at this time, the clinical significance of this alteration remains unclear.